The following is an entry in ClinVar:

NM_000103.4(CYP19A1):c.693del (p.Asp232fs)

Genes: CYP19A1 (cytochrome P450 family 19 subfamily A member 1; minus strand), MIR4713HG (MIR4713 host gene; plus strand), PIRC66 (piwi-interacting RNA cluster 66; plus strand). Cytogenetic location: 15q21.2.
Variant type: Deletion.
Coding change: c.693del on transcript NM_000103.4 (MANE Select); coding-DNA position 693, one base deleted (A; older notation c.693delA).
Protein change: p.Asp232fs; shifts the reading frame from aspartic acid 232.
Molecular consequence: frameshift variant.
Genome position (GRCh38, 1-based): chr15:51,218,591, T deleted on the plus strand (A on the coding strand, the reverse complement: CYP19A1 is on the minus strand). VCF-style (leftmost placement, unchanged base first): chr15-51218590-CT-C. GRCh37 (hg19) VCF-style: chr15-51510787-CT-C.
Other names: c.693del, p.Asp232fs (NM_001347254.2, NM_001347255.2, NM_001347256.2 and 7 more transcripts); short protein forms D232fs.
Identifiers: ClinVar variation 3641712 (VCV003641712.2).

ClinVar aggregate classification (germline): Pathogenic (1 of 4 stars; one submission).

Submission:

Labcorp Genetics (formerly Invitae), Labcorp
Classification: Pathogenic. Last evaluated: 2024-02-17. Review status: criteria provided, single submitter. Criteria: Invitae Variant Classification Sherloc (09022015). Collection method: clinical testing. Allele origin: germline.
Comment: This sequence change creates a premature translational stop signal (p.Asp232Thrfs*20) in the CYP19A1 gene. It is expected to result in an absent or disrupted protein product. Loss-of-function variants in CYP19A1 are known to be pathogenic (PMID: 14602738, 27086564, 27256151). This variant is not present in population databases (gnomAD no frequency). This variant has not been reported in the literature in individuals affected with CYP19A1-related conditions. For these reasons, this variant has been classified as Pathogenic.

Literature cited by the submitters: PubMed 14602738; PubMed 27086564; PubMed 27256151.